The following is an entry in ClinVar:

NM_015570.4(AUTS2):c.3384C>T (p.His1128=)

Gene: AUTS2 (activator of transcription and developmental regulator AUTS2; plus strand). Cytogenetic location: 7q11.22.
Variant type: single nucleotide variant.
Coding change: c.3384C>T on transcript NM_015570.4 (MANE Select); coding-DNA position 3384, C replaced by T.
Protein change: p.His1128=; no amino-acid change (histidine 1128 retained).
Molecular consequence: synonymous variant.
Genome position (GRCh38, 1-based): chr7:70,790,600, C>T. VCF-style: chr7-70790600-C-T. GRCh37 (hg19) VCF-style: chr7-70255586-C-T.
Other names: c.3312C>T, p.His1104= (NM_001127231.3).
Identifiers: ClinVar variation 3058266 (VCV003058266.4), dbSNP rs777719138, ClinGen allele CA4281322.
Genomic context (GRCh38, chr7:70,790,600, plus strand): 5'-GCTGTACGAAGCCGACCGCTCCTTCAGGGACCGGGAGCCTCACGACTACAGCCACCACCA[C>T]CACCACCACCACCACCCGCTGTCTGTGGACCCTCGGCGGGAGCACGAGCGGGGAGGCCAC-3'
Protein context (NP_056385.1, residues 1118-1138): DREPHDYSHH[His1128=]HHHHHPLSVD

ClinVar aggregate classification (germline): Likely benign. Review status: criteria provided, single submitter (1 of 4 stars). 2 submissions from 2 submitters: Likely benign (1). 1 of the submissions does not count toward it. Last evaluated 2024-04-24.

Conditions:
AUTS2-related disorder. Also called: AUTS2-related condition.

Allele frequency attached by ClinVar (database versions not stated): gnomAD 0.00001; ExAC 0.00002.
gnomAD v4.1: 16 of 1,604,546 alleles (0.001%); highest among the groups gnomAD compares: South Asian, 0.016%; no homozygotes.

Submissions (2):

Labcorp Genetics (formerly Invitae), Labcorp
Classification: Likely benign. Last evaluated: 2024-04-24. Review status: criteria provided, single submitter. Criteria: Invitae Variant Classification Sherloc (09022015). Collection method: clinical testing. Allele origin: germline.

PreventionGenetics, part of Exact Sciences
Classification: Likely benign for AUTS2-related condition. Last evaluated: 2019-04-08. Review status: no assertion criteria provided. Collection method: clinical testing. Allele origin: germline. Not counted in ClinVar's aggregate classification.
Comment: This variant is classified as likely benign based on ACMG/AMP sequence variant interpretation guidelines (Richards et al. 2015 PMID: 25741868, with internal and published modifications).